The following is an entry in ClinVar:

NM_000551.4(VHL):c.556G>A (p.Glu186Lys)

Genes: VHL (von Hippel-Lindau tumor suppressor; plus strand), LOC107303340 (3p25 von Hippel-Lindau tumor suppressor, E3 ubiquitin protein ligase Alu-mediated recombination region; plus strand). Cytogenetic location: 3p25.3.
Variant type: single nucleotide variant.
Coding change: c.556G>A on transcript NM_000551.4 (MANE Select); coding-DNA position 556, G replaced by A.
Protein change: p.Glu186Lys; replaces glutamic acid 186 with lysine.
Molecular consequence: missense variant. On other transcripts: 3 prime UTR variant (1).
Genome position (GRCh38, 1-based): chr3:10,149,879, G>A. VCF-style: chr3-10149879-G-A. GRCh37 (hg19) VCF-style: chr3-10191563-G-A.
Other names: c.*110G>A (NM_001354723.2); c.433G>A, p.Glu145Lys (NM_198156.3); short protein forms E186K, E145K.
Identifiers: ClinVar variation 161403 (VCV000161403.31), dbSNP rs367545984, ClinGen allele CA020480.
Genomic context (GRCh38, chr3:10,149,879, plus strand): 5'-GTCCGGAGCCTAGTCAAGCCTGAGAATTACAGGAGACTGGACATCGTCAGGTCGCTCTAC[G>A]AAGATCTGGAAGACCACCCAAATGTGCAGAAAGACCTGGAGCGGCTGACACAGGAGCGCA-3'
Protein context (NP_000542.1, residues 176-196): RRLDIVRSLY[Glu186Lys]DLEDHPNVQK

ClinVar aggregate classification (germline): Uncertain significance. Review status: criteria provided, multiple submitters, no conflicts (2 of 4 stars). 12 submissions from 12 submitters: Uncertain significance (11). 1 of the submissions does not count toward it. Last evaluated 2025-07-25.

Conditions:
VHL-related disorder. Also called: VHL-related condition.
Chuvash polycythemia. Also called: POLYCYTHEMIA, VHL-DEPENDENT. Identifiers: Orphanet 238557, MedGen C1837915, MONDO:0009892, OMIM 263400.
Von Hippel-Lindau syndrome (VHLS). Also called: von Hippel–Lindau syndrome; Von Hippel-Lindau; VHL syndrome. Identifiers: Orphanet 892, MedGen C0019562, MONDO:0008667, OMIM 193300. Disease mechanism: loss of function.
Hereditary cancer-predisposing syndrome. Also called: Tumor predisposition; Neoplastic Syndromes, Hereditary; Hereditary neoplastic syndrome; Hereditary Cancer Syndrome. Identifiers: Orphanet 140162, MedGen C0027672, MeSH D009386, MONDO:0015356.
Nonpapillary renal cell carcinoma. Identifiers: Orphanet 422526, MedGen CN074294, MONDO:0007763, OMIM 144700.
Pheochromocytoma. Also called: MAX-Related Hereditary Paraganglioma-Pheochromocytoma Syndrome. Identifiers: Orphanet 29072, MedGen C0031511, MONDO:0008233, OMIM 171300, HP:0002666.

Allele frequency attached by ClinVar (database versions not stated): ExAC 0.00002; gnomAD exomes 0.00002; TOPMed 0.00003; gnomAD 0.00004; ESP Exome Variant Server 0.00008.
gnomAD v4.1: 38 of 1,614,050 alleles (0.0024%); highest among the groups gnomAD compares: Middle Eastern, 0.016%; no homozygotes.

Submissions (12):

PreventionGenetics, part of Exact Sciences
Classification: Uncertain significance for VHL-related condition. Last evaluated: 2025-07-25. Review status: criteria provided, single submitter. Criteria: ACMG Guidelines, 2015. Collection method: clinical testing. Allele origin: germline.
Comment: The VHL c.556G>A variant is predicted to result in the amino acid substitution p.Glu186Lys. This variant, also referred to as c.769G>A (p.Glu257Lys) in the literature, has been reported in individuals with Von Hippel-Lindau syndrome (Chen et al. 1995. PubMed ID: 7728151; Zbar et al. 1996. PubMed ID: 8956040; Table S2, Nordstrom-O'Brien et al. 2010. PubMed ID: 20151405; Hwang et al. 2014. PubMed ID: 25078357). This variant is reported in 0.0096% of alleles in individuals of Ashkenazi Jewish descent in gnomAD, and is classified as uncertain in ClinVar (Variation ID: 161403). At this time, the clinical significance of this variant is uncertain due to the absence of conclusive functional and genetic evidence.

Quest Diagnostics Nichols Institute San Juan Capistrano
Classification: Uncertain significance. Last evaluated: 2025-01-30. Review status: criteria provided, single submitter. Criteria: Quest Diagnostics criteria. Collection method: clinical testing. Allele origin: unknown.

GeneDx
Classification: Uncertain significance. Last evaluated: 2024-07-29. Review status: criteria provided, single submitter. Criteria: GeneDx Variant Classification Process June 2021. Collection method: clinical testing. Allele origin: germline. Affected: yes.
Comment: Not observed at significant frequency in large population cohorts (gnomAD); In silico analysis indicates that this missense variant does not alter protein structure/function; Also known as c.769G>A, p.E257K; This variant is associated with the following publications: (PMID: 14722919, 8956040, 18836774, 10408776, 9681856, 25637381, 25078357, 20151405, 9829911, 7728151, 28753842, 33102977, Dwivedi2022[Article])

Color Diagnostics, LLC DBA Color Health
Classification: Uncertain significance for Von Hippel-Lindau syndrome. Last evaluated: 2024-07-12. Review status: criteria provided, single submitter. Criteria: ACMG Guidelines, 2015. Collection method: clinical testing. Allele origin: germline.
Comment: This missense variant replaces glutamic acid with lysine at codon 186 of the VHL protein. Computational prediction suggests that this variant may have deleterious impact on protein structure and function. To our knowledge, functional studies have not been reported for this variant. This variant has been reported in three individuals from two families affected with Von Hippel-Lindau syndrome (PMID: 7728151, 25078357) and three individuals affected with isolated incidence of cerebellar hemangioblastoma or pheochromocytoma (DOI: 10.1186/s43042-022-00338-1). This variant also has been reported in a healthy individual and in individuals not affected with VHL-associated clinical features (PMID: 25637381ClinVar SCV000292944.12). This variant has been identified in 5/282824 chromosomes in the general population by the Genome Aggregation Database (gnomAD). The available evidence is insufficient to determine the role of this variant in disease conclusively. Therefore, this variant is classified as a Variant of Uncertain Significance.

Ambry Genetics
Classification: Uncertain significance for Hereditary cancer-predisposing syndrome. Last evaluated: 2024-06-20. Review status: criteria provided, single submitter. Criteria: Ambry Variant Classification Scheme 2023. Collection method: clinical testing. Allele origin: germline.
Comment: The p.E186K variant (also known as c.556G>A), located in coding exon 3 of the VHL gene, results from a G to A substitution at nucleotide position 556. The glutamic acid at codon 186 is replaced by lysine, an amino acid with similar properties. This alteration has been detected in a von Hippel-Lindau (VHL) family affected with retinal angiomas, CNS hemangioblastoma, and renal cell cancer but not pheochromocytomas (Chen F et al. Hum Mutat. 1995;5(1):66-75). This alteration has also been observed in an exome cohort in an unaffected individual (Amendola LM et al. Genome Res. 2015 Mar;25(3):305-15). Of note, this alteration is also known as 769G>A in published literature. This amino acid position is highly conserved in available vertebrate species. In addition, this alteration is predicted to be deleterious by in silico analysis. Based on the available evidence, the clinical significance of this variant remains unclear.

Fulgent Genetics
Classification: Uncertain significance for Nonpapillary renal cell carcinoma; Pheochromocytoma; Von Hippel-Lindau syndrome; Chuvash polycythemia. Last evaluated: 2024-05-30. Review status: criteria provided, single submitter. Criteria: ACMG Guidelines, 2015. Collection method: clinical testing. Allele origin: germline.

Baylor Genetics
Classification: Uncertain significance for Chuvash polycythemia. Last evaluated: 2024-02-17. Review status: criteria provided, single submitter. Criteria: ACMG Guidelines, 2015. Collection method: clinical testing. Allele origin: unknown.

Labcorp Genetics (formerly Invitae), Labcorp
Classification: Uncertain significance for Von Hippel-Lindau syndrome; Chuvash polycythemia. Last evaluated: 2024-01-27. Review status: criteria provided, single submitter. Criteria: Invitae Variant Classification Sherloc (09022015). Collection method: clinical testing. Allele origin: germline.
Comment: This sequence change replaces glutamic acid, which is acidic and polar, with lysine, which is basic and polar, at codon 186 of the VHL protein (p.Glu186Lys). This variant is present in population databases (rs367545984, gnomAD 0.01%). This missense change has been observed in individuals with von Hippel-Lindau syndrome (PMID: 7728151, 25078357). This variant is also known as 769G>T(p.Glu186Lys). ClinVar contains an entry for this variant (Variation ID: 161403). Advanced modeling of protein sequence and biophysical properties (such as structural, functional, and spatial information, amino acid conservation, physicochemical variation, residue mobility, and thermodynamic stability) performed at Invitae indicates that this missense variant is expected to disrupt VHL protein function with a positive predictive value of 95%. In summary, the available evidence is currently insufficient to determine the role of this variant in disease. Therefore, it has been classified as a Variant of Uncertain Significance.

Mendelics
Classification: Uncertain significance for Von Hippel-Lindau syndrome. Last evaluated: 2023-12-31. Review status: criteria provided, single submitter. Criteria: Mendelics Assertion Criteria 2017. Collection method: clinical testing. Allele origin: unknown.

Revvity Omics, Revvity
Classification: Uncertain significance. Last evaluated: 2023-01-18. Review status: criteria provided, single submitter. Criteria: ACMG Guidelines, 2015. Collection method: clinical testing. Allele origin: germline.

Women's Health and Genetics/Laboratory Corporation of America, LabCorp
Classification: Uncertain significance. Last evaluated: 2016-02-04. Review status: criteria provided, single submitter. Criteria: LabCorp Variant Classification Summary - May 2015. Collection method: clinical testing. Allele origin: germline.
Comment: Variant summary: Variant affects a conserved nucleotide and result in replacement of a medium size and acidic Glutamic acid (E) with a large size and basic Lysine (K). 3/4 in silico tools predict the variant to be disease causing. It was observed in the Non-Finnish European subcohort of the ExAC project at an allele frequency of 0.003% which exceeds the maximal expected allele frequency of a disease causing VHL variant (0.002). However, the variant was identified in only 2 individuals; therefore the significance of these observations is uncertain. The variant was reported in a Korean family in which the variant carriers presented with Angioma, hemangioblastoma of the brain and renal cell carcinoma (Chen_HumMutat_1995). Additional patients with Type I disease were also reported to carry the variants, however these reports lack information about the prevalence of the variant in healthy individuals, therefore association between the variant and the disease remains uncertain (Stolle_HumMutat_1998, Hwang_JHG_2014, Zbar_HumMutat_1996). HGMD lists variant affecting the same codon c.556G>G (p.E186X) and variants in the close proximity of the variant of interest c.555C>A and c.555C>G (p.Y185X) indicating the variant to be located in a mutational hotspot and suggesting pathogenicity. However, a clinical laboratory classify variant as Uncertain via ClinVar (without evidence to independently evaluate). Considering all evidence, the variant is classified as VUS-possibly pathogenic until more information becomes available.

CSER _CC_NCGL, University of Washington
Classification: Uncertain significance for Von Hippel-Lindau syndrome. Last evaluated: 2014-06-01. Review status: no assertion criteria provided. Collection method: research. Allele origin: germline. Inheritance: Autosomal dominant inheritance. Study: ESP 6500 variant annotation. Not counted in ClinVar's aggregate classification.
Comment: Variants classified for the Actionable exomic incidental findings in 6503 participants: challenges of variant classification manuscript

Literature cited by the submitters: PubMed 7728151 (cited by Color Diagnostics, LLC DBA Color Health and Labcorp Genetics (formerly Invitae), Labcorp); PubMed 25078357 (cited by 3 submitters); PubMed 25637381 (cited by Color Diagnostics, LLC DBA Color Health and Women's Health and Genetics/Laboratory Corporation of America, LabCorp); PubMed 20151405 (cited by Women's Health and Genetics/Laboratory Corporation of America, LabCorp); PubMed 8956040 (cited by Women's Health and Genetics/Laboratory Corporation of America, LabCorp); PubMed 9681856 (cited by Women's Health and Genetics/Laboratory Corporation of America, LabCorp); PubMed 8863170 (cited by Women's Health and Genetics/Laboratory Corporation of America, LabCorp); PubMed 9829911 (cited by Women's Health and Genetics/Laboratory Corporation of America, LabCorp); PubMed 14722919 (cited by Women's Health and Genetics/Laboratory Corporation of America, LabCorp).